The following is an entry in ClinVar:

ClinVar aggregate classification (germline): Benign/Likely benign. Review status: criteria provided, multiple submitters, no conflicts (2 of 4 stars). 2 submissions from 2 submitters: Benign (1); Likely benign (1). Last evaluated 2025-06-12.

Allele frequency attached by ClinVar (database versions not stated): gnomAD exomes 0.00005; ExAC 0.00012; gnomAD 0.00033; TOPMed 0.00039.
gnomAD v4.1: 132 of 1,612,182 alleles (0.0082%); highest among the groups gnomAD compares: African/African-American, 0.08%; no homozygotes.

Submissions (2):

Labcorp Genetics (formerly Invitae), Labcorp
Classification: Benign. Last evaluated: 2025-06-12. Review status: criteria provided, single submitter. Criteria: Invitae Variant Classification Sherloc (09022015). Collection method: clinical testing. Allele origin: germline.

CeGaT Center for Human Genetics Tuebingen
Classification: Likely benign. Last evaluated: 2023-09-01. Review status: criteria provided, single submitter. Criteria: CeGaT Center For Human Genetics Tuebingen Variant Classification Criteria Version 2. Collection method: clinical testing. Allele origin: germline. Affected: yes. Observed: 1 variant allele.
Comment: RERE: BP4, BP7

NM_001042681.2(RERE):c.3516C>T (p.Arg1172=)

Gene: RERE (arginine-glutamic acid dipeptide repeats; minus strand). Cytogenetic location: 1p36.23.
Variant type: single nucleotide variant.
Coding change: c.3516C>T on transcript NM_001042681.2 (MANE Select); coding-DNA position 3516, C replaced by T.
Protein change: p.Arg1172=; no amino-acid change (arginine 1172 retained).
Molecular consequence: synonymous variant.
Genome position (GRCh38, 1-based): chr1:8,359,866, G>A on the plus strand (C>T on the coding strand, the complement: RERE is on the minus strand). VCF-style: chr1-8359866-G-A. GRCh37 (hg19) VCF-style: chr1-8419926-G-A.
Other names: c.1854C>T, p.Arg618= (NM_001042682.2); c.3516C>T, p.Arg1172= (NM_012102.4).
Identifiers: ClinVar variation 2050498 (VCV002050498.28), dbSNP rs535132991, ClinGen allele CA571126.